The following is an entry in ClinVar:

ClinVar aggregate classification (germline): Likely benign. Review status: criteria provided, multiple submitters, no conflicts (2 of 4 stars). 4 submissions from 4 submitters: Likely benign (4). Last evaluated 2026-05-21.

Conditions:
KBG syndrome (KBGS). Also called: ANKRD11-Related KBG Syndrome. Identifiers: Orphanet 2332, MedGen C0220687, MONDO:0007846, OMIM 148050.

Allele frequency attached by ClinVar (database versions not stated): TOPMed 0.00003; ExAC 0.00006; gnomAD exomes 0.00006; gnomAD 0.00007; ESP Exome Variant Server 0.00031.
gnomAD v4.1: 101 of 1,613,882 alleles (0.0063%); highest among the groups gnomAD compares: Middle Eastern, 0.016%; no homozygotes.

Submissions (4):

Women's Health and Genetics/Laboratory Corporation of America, LabCorp
Classification: Likely benign. Last evaluated: 2026-05-21. Review status: criteria provided, single submitter. Criteria: LabCorp Variant Classification Summary - May 2015. Collection method: clinical testing. Allele origin: germline.

Labcorp Genetics (formerly Invitae), Labcorp
Classification: Likely benign for KBG syndrome. Last evaluated: 2026-01-28. Review status: criteria provided, single submitter. Criteria: Invitae Variant Classification Sherloc (09022015). Collection method: clinical testing. Allele origin: germline.

Blueprint Genetics
Classification: Likely benign. Last evaluated: 2023-10-17. Review status: criteria provided, single submitter. Criteria: ACMG Guidelines, 2015. Collection method: clinical testing. Allele origin: germline.

CeGaT Center for Human Genetics Tuebingen
Classification: Likely benign. Last evaluated: 2023-01-01. Review status: criteria provided, single submitter. Criteria: CeGaT Center For Human Genetics Tuebingen Variant Classification Criteria Version 2. Collection method: clinical testing. Allele origin: germline. Affected: yes. Observed: 1 variant allele.
Comment: ANKRD11: BP4, BP7

NM_013275.6(ANKRD11):c.4680C>T (p.Asp1560=)

Gene: ANKRD11 (ankyrin repeat domain 11; minus strand). Cytogenetic location: 16q24.3.
Variant type: single nucleotide variant.
Coding change: c.4680C>T on transcript NM_013275.6 (MANE Select); coding-DNA position 4680, C replaced by T.
Protein change: p.Asp1560=; no amino-acid change (aspartic acid 1560 retained).
Molecular consequence: synonymous variant.
Genome position (GRCh38, 1-based): chr16:89,281,862, G>A on the plus strand (C>T on the coding strand, the complement: ANKRD11 is on the minus strand). VCF-style: chr16-89281862-G-A. GRCh37 (hg19) VCF-style: chr16-89348270-G-A.
Other names: c.4680C>T, p.Asp1560= (NM_001256182.2, NM_001256183.2).
Identifiers: ClinVar variation 2041536 (VCV002041536.30), dbSNP rs368127435, ClinGen allele CA8242054.
Genomic context (GRCh38, chr16:89,281,862, plus strand): 5'-CATCATCAGGTCGCCGTCCCCCAGGAGCTTCTCCCTGGGCCTGGCGTCTTTCTTGCCTGG[G>A]TCTTTGGATGGCGCTACCTTATCATTCCCGTTGCTCATCTTCACTGGGTCGCCCTTTTCT-3'
Protein context (NP_037407.4, residues 1550-1570): NGNDKVAPSK[Asp1560=]PGKKDARPRE